The following is an entry in ClinVar:

ClinVar aggregate classification (germline): Uncertain significance (1 of 4 stars; one submission).

Conditions:
Baller-Gerold syndrome (BGS). Also called: CRANIOSYNOSTOSIS WITH RADIAL DEFECTS. Identifiers: Orphanet 1225, MedGen C0265308, MONDO:0009039, OMIM 218600.

Submission:

Labcorp Genetics (formerly Invitae), Labcorp
Classification: Uncertain significance for Baller-Gerold syndrome. Last evaluated: 2022-05-11. Review status: criteria provided, single submitter. Criteria: Invitae Variant Classification Sherloc (09022015). Collection method: clinical testing. Allele origin: germline.
Comment: Experimental studies and prediction algorithms are not available or were not evaluated, and the functional significance of this variant is currently unknown. This variant has not been reported in the literature in individuals affected with RECQL4-related conditions. This variant is not present in population databases (gnomAD no frequency). This sequence change replaces glycine, which is neutral and non-polar, with cysteine, which is neutral and slightly polar, at codon 633 of the RECQL4 protein (p.Gly633Cys). In summary, the available evidence is currently insufficient to determine the role of this variant in disease. Therefore, it has been classified as a Variant of Uncertain Significance.

NM_004260.4(RECQL4):c.1897G>T (p.Gly633Cys)

Gene: RECQL4 (RecQ like helicase 4; minus strand). Cytogenetic location: 8q24.3.
Variant type: single nucleotide variant.
Coding change: c.1897G>T on transcript NM_004260.4 (MANE Select); coding-DNA position 1897, G replaced by T.
Protein change: p.Gly633Cys; replaces glycine 633 with cysteine.
Molecular consequence: missense variant.
Genome position (GRCh38, 1-based): chr8:144,514,089, C>A on the plus strand (G>T on the coding strand, the complement: RECQL4 is on the minus strand). VCF-style: chr8-144514089-C-A. GRCh37 (hg19) VCF-style: chr8-145739473-C-A.
Other names: c.694G>T, p.Gly232Cys (NM_001413037.1); c.826G>T, p.Gly276Cys (NM_001413038.1, NM_001413040.1, NM_001413021.1 and 6 more transcripts); c.1867G>T, p.Gly623Cys (NM_001413039.1); c.760G>T, p.Gly254Cys (NM_001413041.1, NM_001413027.1, NM_001413030.1 and 1 more transcripts); c.796G>T, p.Gly266Cys (NM_001413042.1); c.430G>T, p.Gly144Cys (NM_001413043.1); c.1801G>T, p.Gly601Cys (NM_001413017.1, NM_001413020.1); c.1897G>T, p.Gly633Cys (NM_001413018.1, NM_001413019.1, NM_001413036.1); and 4 more; short protein forms G144C, G276C, G589C, G601C, G232C, G266C, G623C, G210C.
Identifiers: ClinVar variation 1992995 (VCV001992995.4), dbSNP rs2538035012, ClinGen allele CA372680530.